The following is an entry in ClinVar:

ClinVar aggregate classification (germline): Conflicting classifications of pathogenicity. Review status: criteria provided, conflicting classifications (1 of 4 stars). 5 submissions from 5 submitters: Uncertain significance (3); Likely benign (2). Last evaluated 2026-06-12.

Conditions:
Polyps, multiple and recurrent inflammatory fibroid, gastrointestinal. Identifiers: MedGen C5193005, MONDO:0008285, OMIM 175510.
Hereditary cancer-predisposing syndrome. Also called: Tumor predisposition; Hereditary neoplastic syndrome; Neoplastic Syndromes, Hereditary; Hereditary Cancer Syndrome. Identifiers: Orphanet 140162, MedGen C0027672, MeSH D009386, MONDO:0015356.
Gastrointestinal stromal tumor. Also called: Gastrointestinal stroma tumor; Gastrointestinal stromal tumor, somatic. Identifiers: Orphanet 44890, MedGen C0238198, MeSH D046152, MONDO:0011719, OMIM 606764, HP:0100723.

Allele frequency attached by ClinVar (database versions not stated): gnomAD exomes 0.00001; TOPMed 0.00001; ExAC 0.00002; gnomAD 0.00003; 1000 Genomes Project 30x 0.00016; 1000 Genomes Project 0.00020.

Submissions (5):

Myriad Genetics, Inc.
Classification: Likely benign for Polyps, multiple and recurrent inflammatory fibroid, gastrointestinal. Last evaluated: 2026-06-12. Review status: criteria provided, single submitter. Criteria: Myriad Autosomal Dominant, Autosomal Recessive and X-Linked Classification Criteria (2023). Collection method: clinical testing. Allele origin: unknown.
Comment: This variant is considered likely benign. This variant has been observed at a population frequency that is significantly greater than expected given the associated disease prevalence and penetrance.

Labcorp Genetics (formerly Invitae), Labcorp
Classification: Uncertain significance for Gastrointestinal stromal tumor. Last evaluated: 2025-10-26. Review status: criteria provided, single submitter. Criteria: Invitae Variant Classification Sherloc (09022015). Collection method: clinical testing. Allele origin: germline.
Comment: This sequence change replaces serine, which is neutral and polar, with leucine, which is neutral and non-polar, at codon 91 of the PDGFRA protein (p.Ser91Leu). This variant is present in population databases (rs538480165, gnomAD 0.003%). This variant has not been reported in the literature in individuals affected with PDGFRA-related conditions. ClinVar contains an entry for this variant (Variation ID: 459067). Invitae Evidence Modeling of protein sequence and biophysical properties (such as structural, functional, and spatial information, amino acid conservation, physicochemical variation, residue mobility, and thermodynamic stability) indicates that this missense variant is not expected to disrupt PDGFRA protein function with a negative predictive value of 80%. In summary, the available evidence is currently insufficient to determine the role of this variant in disease. Therefore, it has been classified as a Variant of Uncertain Significance.

Ambry Genetics
Classification: Likely benign for Hereditary cancer-predisposing syndrome. Last evaluated: 2025-01-03. Review status: criteria provided, single submitter. Criteria: Ambry Variant Classification Scheme 2023. Collection method: clinical testing. Allele origin: germline.

GeneDx
Classification: Uncertain significance. Last evaluated: 2024-11-01. Review status: criteria provided, single submitter. Criteria: GeneDx Variant Classification Process June 2021. Collection method: clinical testing. Allele origin: germline. Affected: yes.
Comment: Not observed at significant frequency in large population cohorts (gnomAD); In silico analysis supports that this missense variant has a deleterious effect on protein structure/function; Has not been previously published as pathogenic or benign to our knowledge

Baylor Genetics
Classification: Uncertain significance for Polyps, multiple and recurrent inflammatory fibroid, gastrointestinal. Last evaluated: 2023-07-25. Review status: criteria provided, single submitter. Criteria: ACMG Guidelines, 2015. Collection method: clinical testing. Allele origin: unknown.

NM_006206.6(PDGFRA):c.272C>T (p.Ser91Leu)

Gene: PDGFRA (platelet derived growth factor receptor alpha; plus strand). Cytogenetic location: 4q12.
Variant type: single nucleotide variant.
Coding change: c.272C>T on transcript NM_006206.6 (MANE Select); coding-DNA position 272, C replaced by T.
Protein change: p.Ser91Leu; replaces serine 91 with leucine.
Molecular consequence: missense variant.
Genome position (GRCh38, 1-based): chr4:54,261,317, C>T. VCF-style: chr4-54261317-C-T. GRCh37 (hg19) VCF-style: chr4-55127484-C-T.
Other names: c.272C>T, p.Ser91Leu (NM_001347827.2, NM_001347829.2); c.347C>T, p.Ser116Leu (NM_001347828.2); c.311C>T, p.Ser104Leu (NM_001347830.2); short protein forms S91L, S116L, S104L.
Identifiers: ClinVar variation 459067 (VCV000459067.13), dbSNP rs538480165, ClinGen allele CA2922256.
Genomic context (GRCh38, chr4:54,261,317, plus strand): 5'-TCAGAAATGAAGAAAACAACAGCGGCCTTTTTGTGACGGTCTTGGAAGTGAGCAGTGCCT[C>T]GGCGGCCCACACAGGGTTGTACACTTGCTATTACAACCACACTCAGACAGAAGAGAATGA-3'
Protein context (NP_006197.1, residues 81-101): FVTVLEVSSA[Ser91Leu]AAHTGLYTCY